The following is an entry in ClinVar:

ClinVar aggregate classification (germline): Uncertain significance (1 of 4 stars; one submission).

Conditions:
Dystonia 37, early-onset, with striatal lesions (DYT37). Identifiers: MedGen C5830592, MONDO:0957385, OMIM 620427.

gnomAD v4.1: 170 of 1,613,586 alleles (0.011%); highest among the groups gnomAD compares: Non-Finnish European, 0.014%; no homozygotes.

Submission:

OLLIN Analises Genomicas, OLLIN
Classification: Uncertain significance for Dystonia 37, early-onset, with striatal lesions. Last evaluated: 2026-08-06. Review status: criteria provided, single submitter. Criteria: ACMG Guidelines 2015 PMID 25741868. Collection method: clinical testing. Allele origin: germline.
Comment: This missense variant, located in exon 3 (of 12), has been observed in gnomAD with an allele frequency of 0.0105%, but has not been reported in ClinVar or identified in the literature. In silico analysis predicts that this variant has a tolerated effect. According to the currently available evidence, this variant has been classified as uncertain significance (PM2_P, BP4_M).

NM_017426.4(NUP54):c.218C>A (p.Thr73Asn)

Gene: NUP54 (nucleoporin 54; minus strand). Cytogenetic location: 4q21.1.
Variant type: single nucleotide variant.
Coding change: c.218C>A on transcript NM_017426.4 (MANE Select); coding-DNA position 218, C replaced by A.
Protein change: p.Thr73Asn; replaces threonine 73 with asparagine.
Molecular consequence: missense variant. On other transcripts: non-coding transcript variant (3), intron variant (1).
Genome position (GRCh38, 1-based): chr4:76,144,226, G>T on the plus strand (C>A on the coding strand, the complement: NUP54 is on the minus strand). VCF-style: chr4-76144226-G-T. GRCh37 (hg19) VCF-style: chr4-77065379-G-T.
Other names: c.151+164C>A (NM_001278603.2); short protein forms T73N.
Identifiers: ClinVar variation 5003047 (VCV005003047.1).